The following is an entry in ClinVar:

ClinVar aggregate classification (germline): Likely benign. Review status: criteria provided, multiple submitters, no conflicts (2 of 4 stars). 2 submissions from 2 submitters: Likely benign (2). Last evaluated 2025-02-26.

Conditions:
Inborn genetic diseases. Identifiers: MedGen C0950123, MeSH D030342.

Submissions (2):

Ambry Genetics
Classification: Likely benign for Inborn genetic diseases. Last evaluated: 2025-02-26. Review status: criteria provided, single submitter. Criteria: Ambry Variant Classification Scheme 2023. Collection method: clinical testing. Allele origin: germline.

CeGaT Center for Human Genetics Tuebingen
Classification: Likely benign. Last evaluated: 2023-12-01. Review status: criteria provided, single submitter. Criteria: CeGaT Center For Human Genetics Tuebingen Variant Classification Criteria Version 2. Collection method: clinical testing. Allele origin: germline. Affected: yes. Observed: 1 variant allele.
Comment: ASXL1: PM2:Supporting, BP4, BP7

NM_015338.6(ASXL1):c.2496C>T (p.Asp832=)

Gene: ASXL1 (ASXL transcriptional regulator 1; plus strand). Cytogenetic location: 20q11.21.
Variant type: single nucleotide variant.
Coding change: c.2496C>T on transcript NM_015338.6 (MANE Select); coding-DNA position 2496, C replaced by T.
Protein change: p.Asp832=; no amino-acid change (aspartic acid 832 retained).
Molecular consequence: synonymous variant.
Genome position (GRCh38, 1-based): chr20:32,435,208, C>T. VCF-style: chr20-32435208-C-T. GRCh37 (hg19) VCF-style: chr20-31023011-C-T.
Other names: c.2313C>T, p.Asp771= (NM_001363734.1).
Identifiers: ClinVar variation 3026624 (VCV003026624.23), dbSNP rs2145368108, ClinGen allele CA510466684.